The following is an entry in ClinVar:

NM_000553.6(WRN):c.270T>G (p.Asn90Lys)

Gene: WRN (WRN RecQ like helicase; plus strand). Cytogenetic location: 8p12.
Variant type: single nucleotide variant.
Coding change: c.270T>G on transcript NM_000553.6 (MANE Select); coding-DNA position 270, T replaced by G.
Protein change: p.Asn90Lys; replaces asparagine 90 with lysine.
Molecular consequence: missense variant.
Genome position (GRCh38, 1-based): chr8:31,064,349, T>G. VCF-style: chr8-31064349-T-G. GRCh37 (hg19) VCF-style: chr8-30921865-T-G.
Other names: short protein forms N90K.
Identifiers: ClinVar variation 582813 (VCV000582813.4), dbSNP rs148758902, ClinGen allele CA370914152.

ClinVar aggregate classification (germline): Uncertain significance (1 of 4 stars; one submission).

Conditions:
Werner syndrome (WRN). Identifiers: Orphanet 902, MedGen C0043119, MONDO:0010196, OMIM 277700.

Submission:

Labcorp Genetics (formerly Invitae), Labcorp
Classification: Uncertain significance for Werner syndrome. Last evaluated: 2018-05-21. Review status: criteria provided, single submitter. Criteria: Invitae Variant Classification Sherloc (09022015). Collection method: clinical testing. Allele origin: germline.
Comment: In summary, the available evidence is currently insufficient to determine the role of this variant in disease. Therefore, it has been classified as a Variant of Uncertain Significance. This sequence change replaces asparagine with lysine at codon 90 of the WRN protein (p.Asn90Lys). The asparagine residue is weakly conserved and there is a moderate physicochemical difference between asparagine and lysine. This variant is not present in population databases (ExAC no frequency). This variant has not been reported in the literature in individuals with WRN-related disease. Algorithms developed to predict the effect of missense changes on protein structure and function output the following: SIFT: "Tolerated"; PolyPhen-2: "Benign"; Align-GVGD: "Class C0". The lysine amino acid residue is found in multiple mammalian species, suggesting that this missense change does not adversely affect protein function. These predictions have not been confirmed by published functional studies and their clinical significance is uncertain.